The following is an entry in ClinVar:

NM_032043.3(BRIP1):c.380-17del

Gene: BRIP1 (BRCA1 interacting DNA helicase 1; minus strand). Cytogenetic location: 17q23.2.
Variant type: Deletion.
Coding change: c.380-17del on transcript NM_032043.3 (MANE Select); 17 bases into the intron before coding-DNA position 380, one base deleted (T; older notation c.380-17delT).
Molecular consequence: intron variant.
Genome position (GRCh38, 1-based): chr17:61,849,273, A deleted on the plus strand (T on the coding strand, the reverse complement: BRIP1 is on the minus strand); the first of 8 consecutive A bases (chr17:61,849,273-61,849,280); deleting any one gives the same sequence. VCF-style (leftmost placement, unchanged base first): chr17-61849272-TA-T. GRCh37 (hg19) VCF-style: chr17-59926633-TA-T.
Other names: c.380-17delT (NM_032043.2).
Identifiers: ClinVar variation 418094 (VCV000418094.13), dbSNP rs545021924, ClinGen allele CA8690940.
Genomic context (GRCh38, chr17:61,849,272, plus strand): 5'-TCTTAGCAGATAACTTTGCAGCCAGAGTGGTTTTTTCAGGGGAGTCTTATATAAGTAATT[TA>T]AAAAAAACAGCATAAATAACTTACAGGTAGGCAATTTTTCTAGAAGAAAACTGGAACCAG-3'

ClinVar aggregate classification (germline): Benign/Likely benign. Review status: criteria provided, multiple submitters, no conflicts (2 of 4 stars). 4 submissions from 4 submitters: Benign (3); Likely benign (1). Last evaluated 2026-01-21.

Conditions:
Fanconi anemia complementation group J. Also called: BRIP1-Related Fanconi Anemia. Identifiers: Orphanet 84, MedGen C1836860, MONDO:0012187, OMIM 609054.
Familial cancer of breast. Also called: Hereditary breast cancer; BREAST CANCER, FAMILIAL; hereditary breast carcinoma. Identifiers: Orphanet 227535, MedGen C0346153, MONDO:0016419, OMIM 114480. Disease mechanism: loss of function.
Hereditary cancer-predisposing syndrome. Also called: Tumor predisposition; Neoplastic Syndromes, Hereditary; Hereditary Cancer Syndrome; Hereditary neoplastic syndrome. Identifiers: Orphanet 140162, MedGen C0027672, MeSH D009386, MONDO:0015356.

Submissions (4):

Labcorp Genetics (formerly Invitae), Labcorp
Classification: Benign for Familial cancer of breast; Fanconi anemia complementation group J. Last evaluated: 2026-01-21. Review status: criteria provided, single submitter. Criteria: Invitae Variant Classification Sherloc (09022015). Collection method: clinical testing. Allele origin: germline.

Myriad Genetics, Inc.
Classification: Benign for Familial cancer of breast. Last evaluated: 2024-08-21. Review status: criteria provided, single submitter. Criteria: Myriad Autosomal Dominant, Autosomal Recessive and X-Linked Classification Criteria (2023). Collection method: clinical testing. Allele origin: unknown.
Comment: This variant is considered benign. This variant is intronic and is not expected to impact mRNA splicing.

GeneDx
Classification: Likely benign. Last evaluated: 2017-12-14. Review status: criteria provided, single submitter. Criteria: GeneDx Variant Classification (06012015). Collection method: clinical testing. Allele origin: germline. Affected: yes.
Comment: This variant is considered likely benign or benign based on one or more of the following criteria: it is a conservative change, it occurs at a poorly conserved position in the protein, it is predicted to be benign by multiple in silico algorithms, and/or has population frequency not consistent with disease.

Color Diagnostics, LLC DBA Color Health
Classification: Benign for Hereditary cancer-predisposing syndrome. Last evaluated: 2017-02-07. Review status: criteria provided, single submitter. Criteria: ACMG Guidelines, 2015. Collection method: clinical testing. Allele origin: germline.